The following is an entry in ClinVar:

NM_005562.3(LAMC2):c.80-2A>C

Gene: LAMC2 (laminin subunit gamma 2; plus strand). Cytogenetic location: 1q25.3.
Variant type: single nucleotide variant.
Coding change: c.80-2A>C on transcript NM_005562.3 (MANE Select); the canonical splice acceptor site of the intron before coding-DNA position 80, A replaced by C.
Molecular consequence: splice acceptor variant.
Genome position (GRCh38, 1-based): chr1:183,207,879, A>C. VCF-style: chr1-183207879-A-C. GRCh37 (hg19) VCF-style: chr1-183177014-A-C.
Other names: c.80-2A>C (NM_018891.3).
Identifiers: ClinVar variation 844928 (VCV000844928.8), dbSNP rs771613805, ClinGen allele CA343668993.
Genomic context (GRCh38, chr1:183,207,879, plus strand): 5'-GAACAGTTCCTGAGGTGTTTTTTTTTTTTTTTGACGATCTCTTTTGTATGCTTCCTCCCC[A>C]GTCTGTGATTGCAATGGGAAGTCCAGGCAGTGTATCTTTGATCGGGAACTTCACAGACAA-3'

ClinVar aggregate classification (germline): Likely pathogenic (1 of 4 stars; one submission).

Submission:

Labcorp Genetics (formerly Invitae), Labcorp
Classification: Likely pathogenic. Last evaluated: 2019-02-19. Review status: criteria provided, single submitter. Criteria: Invitae Variant Classification Sherloc (09022015). Collection method: clinical testing. Allele origin: germline.
Comment: This sequence change affects an acceptor splice site in intron 1 of the LAMC2 gene. It is expected to disrupt RNA splicing and likely results in an absent or disrupted protein product. In summary, the currently available evidence indicates that the variant is pathogenic, but additional data are needed to prove that conclusively. Therefore, this variant has been classified as Likely Pathogenic. Donor and acceptor splice site variants typically lead to a loss of protein function (PMID: 16199547), and loss-of-function variants in LAMC2 are known to be pathogenic (PMID: 11907499, 16473856). Algorithms developed to predict the effect of sequence changes on RNA splicing suggest that this variant may disrupt the consensus splice site, but this prediction has not been confirmed by published transcriptional studies. This variant has not been reported in the literature in individuals with LAMC2-related conditions. This variant is not present in population databases (ExAC no frequency).

Literature cited by the submitters: PubMed 16199547; PubMed 11907499; PubMed 16473856.